The following is an entry in ClinVar:

ClinVar aggregate classification (germline): Conflicting classifications of pathogenicity. Review status: criteria provided, conflicting classifications (1 of 4 stars). 2 submissions from 2 submitters: Uncertain significance (1); Likely benign (1). Last evaluated 2024-03-29.

Allele frequency attached by ClinVar (database versions not stated): gnomAD exomes below 0.00001; TOPMed below 0.00001.
gnomAD v4.1: 1 of 1,599,640 alleles (0.000063%); highest among the groups gnomAD compares: African/African-American, 0.0013%; no homozygotes.

Submissions (2):

Ambry Genetics
Classification: Likely benign. Last evaluated: 2024-03-29. Review status: criteria provided, single submitter. Criteria: Ambry Variant Classification Scheme 2023. Collection method: clinical testing. Allele origin: germline.

Labcorp Genetics (formerly Invitae), Labcorp
Classification: Uncertain significance. Last evaluated: 2018-12-23. Review status: criteria provided, single submitter. Criteria: Invitae Variant Classification Sherloc (09022015). Collection method: clinical testing. Allele origin: germline.
Comment: This variant is not present in population databases (ExAC no frequency). This sequence change replaces valine with isoleucine at codon 83 of the RINT1 protein (p.Val83Ile). The valine residue is weakly conserved and there is a small physicochemical difference between valine and isoleucine. Algorithms developed to predict the effect of missense changes on protein structure and function (SIFT, PolyPhen-2, Align-GVGD) all suggest that this variant is likely to be tolerated, but these predictions have not been confirmed by published functional studies and their clinical significance is uncertain. This variant has not been reported in the literature in individuals with RINT1-related disease. In summary, the available evidence is currently insufficient to determine the role of this variant in disease. Therefore, it has been classified as a Variant of Uncertain Significance.

NM_021930.6(RINT1):c.247G>A (p.Val83Ile)

Gene: RINT1 (RAD50 interactor 1; plus strand). Cytogenetic location: 7q22.3.
Variant type: single nucleotide variant.
Coding change: c.247G>A on transcript NM_021930.6 (MANE Select); coding-DNA position 247, G replaced by A.
Protein change: p.Val83Ile; replaces valine 83 with isoleucine.
Molecular consequence: missense variant. On other transcripts: 5 prime UTR variant (3), non-coding transcript variant (1), intron variant (1).
Genome position (GRCh38, 1-based): chr7:105,536,723, G>A. VCF-style: chr7-105536723-G-A. GRCh37 (hg19) VCF-style: chr7-105177170-G-A.
Other names: c.-773G>A (NM_001346600.2); c.-676G>A (NM_001346601.2); c.-296G>A (NM_001346603.2); c.39+111G>A (NM_001346599.2); short protein forms V83I.
Identifiers: ClinVar variation 661617 (VCV000661617.11), dbSNP rs1586216562, ClinGen allele CA368800691.